The following is an entry in ClinVar:

ClinVar aggregate classification (germline): Uncertain significance (1 of 4 stars; one submission).

Conditions:
Cardiac arrhythmia. Also called: Cardiac rhythm disease; Arrhythmia. Identifiers: MedGen C0003811, MONDO:0007263, HP:0011675.

Submission:

Color Diagnostics, LLC DBA Color Health
Classification: Uncertain significance for Cardiac arrhythmia. Last evaluated: 2024-03-06. Review status: criteria provided, single submitter. Criteria: ACMG Guidelines, 2015. Collection method: clinical testing. Allele origin: germline.
Comment: This missense variant replaces glutamic acid with glutamine at codon 929 of the KCNH2 protein. Computational prediction suggests that this variant may not impact protein structure and function (internally defined REVEL score threshold <= 0.5, PMID: 27666373). Splice site prediction tools suggest that this variant may not impact RNA splicing. To our knowledge, functional studies have not been reported for this variant. This variant has not been reported in individuals affected with cardiovascular disorders in the literature. This variant has not been identified in the general population by the Genome Aggregation Database (gnomAD). The available evidence is insufficient to determine the role of this variant in disease conclusively. Therefore, this variant is classified as a Variant of Uncertain Significance.

NM_000238.4(KCNH2):c.2785G>C (p.Glu929Gln)

Gene: KCNH2 (potassium voltage-gated channel subfamily H member 2; minus strand). Cytogenetic location: 7q36.1.
Variant type: single nucleotide variant.
Coding change: c.2785G>C on transcript NM_000238.4 (MANE Select); coding-DNA position 2785, G replaced by C.
Protein change: p.Glu929Gln; replaces glutamic acid 929 with glutamine.
Molecular consequence: missense variant.
Genome position (GRCh38, 1-based): chr7:150,947,786, C>G on the plus strand (G>C on the coding strand, the complement: KCNH2 is on the minus strand). VCF-style: chr7-150947786-C-G. GRCh37 (hg19) VCF-style: chr7-150644874-C-G.
Other names: c.1765G>C, p.Glu589Gln (NM_172057.3); short protein forms E589Q, E929Q.
Identifiers: ClinVar variation 926191 (VCV000926191.6), dbSNP rs1800967308, ClinGen allele CA369853411.
Genomic context (GRCh38, chr7:150,947,786, plus strand): 5'-TGCGGCCTGGGCCCTCATCCTCACTGCTCTCAGGGCTGGAGGGGCCACTGGACGGGCTCT[C>G]CCCCCACGGCCCCCCCGGCCGGCCCCGGCTACTCGGCCCTGCCCCCGCCCGGCCCGGCCC-3'
Protein context (NP_000229.1, residues 919-939): SRGRPGGPWG[Glu929Gln]SPSSGPSSPE